The following is an entry in ClinVar:

NM_004586.3(RPS6KA3):c.770_773del (p.Leu257fs)

Gene: RPS6KA3 (ribosomal protein S6 kinase A3; minus strand). Cytogenetic location: Xp22.12.
Variant type: Deletion.
Coding change: c.770_773del on transcript NM_004586.3 (MANE Select); coding-DNA positions 770 to 773, 4 bases deleted (TAAT; older notation c.770_773delTAAT).
Protein change: p.Leu257fs; shifts the reading frame from leucine 257.
Molecular consequence: frameshift variant.
Genome position (GRCh38, 1-based): chrX:20,187,829-20,187,832, ATTA deleted on the plus strand (TAAT on the coding strand, the reverse complement: RPS6KA3 is on the minus strand); deleting any 4 consecutive bases within chrX:20,187,829-20,187,833 gives the same sequence; the c. name uses the placement nearest the transcript's 3' end. VCF-style (leftmost placement, unchanged base first): chrX-20187828-CATTA-C. GRCh37 (hg19) VCF-style: chrX-20205946-CATTA-C.
Other names: short protein forms L257fs.
Identifiers: ClinVar variation 1455251 (VCV001455251.1), dbSNP rs2148686334, ClinGen allele CA2573158507.

ClinVar aggregate classification (germline): Pathogenic (1 of 4 stars; one submission).

Conditions:
Intellectual developmental disorder, X-linked 19. Also called: Intellectual disability, X-linked 19. Identifiers: Orphanet 777, MedGen C0796225, MONDO:0010447, OMIM 300844.
Coffin-Lowry syndrome (CLS). Also called: COFFIN-LOWRY SYNDROME, MILD; Mental retardation with osteocartilaginous abnormalities. Identifiers: Orphanet 192, MedGen C0265252, MONDO:0010561, OMIM 303600.

Submission:

Labcorp Genetics (formerly Invitae), Labcorp
Classification: Pathogenic for Coffin-Lowry syndrome; Intellectual developmental disorder, X-linked 19. Last evaluated: 2021-04-14. Review status: criteria provided, single submitter. Criteria: Invitae Variant Classification Sherloc (09022015). Collection method: clinical testing. Allele origin: germline.
Comment: This sequence change creates a premature translational stop signal (p.Leu257Cysfs*20) in the RPS6KA3 gene. It is expected to result in an absent or disrupted protein product. Loss-of-function variants in RPS6KA3 are known to be pathogenic (PMID: 9837815, 19888300). This variant is not present in population databases (ExAC no frequency). This variant has not been reported in the literature in individuals with RPS6KA3-related conditions. For these reasons, this variant has been classified as Pathogenic.

Literature cited by the submitters: PubMed 9837815; PubMed 19888300.